The following is an entry in ClinVar:

NM_004984.4(KIF5A):c.705G>T (p.Gly235=)

Gene: KIF5A (kinesin family member 5A; plus strand). Cytogenetic location: 12q13.3.
Variant type: single nucleotide variant.
Coding change: c.705G>T on transcript NM_004984.4 (MANE Select); coding-DNA position 705, G replaced by T.
Protein change: p.Gly235=; no amino-acid change (glycine 235 retained).
Molecular consequence: synonymous variant.
Genome position (GRCh38, 1-based): chr12:57,567,609, G>T. VCF-style: chr12-57567609-G-T. GRCh37 (hg19) VCF-style: chr12-57961392-G-T.
Other names: c.705G>T (NM_004984.2); c.438G>T, p.Gly146= (NM_001354705.2).
Identifiers: ClinVar variation 2853008 (VCV002853008.4), dbSNP rs1036145752, ClinGen allele CA237782282.

ClinVar aggregate classification (germline): Uncertain significance. Review status: criteria provided, multiple submitters, no conflicts (2 of 4 stars). 2 submissions from 2 submitters: Uncertain significance (2). Last evaluated 2025-09-15.

Conditions:
Spastic paraplegia. Identifiers: MedGen C0037772, HP:0001258.
KIF5A-related disorder. Also called: KIF5A-related condition; KIF5A-related disorders.

Allele frequency attached by ClinVar (database versions not stated): gnomAD 0.00001; TOPMed 0.00001.
gnomAD v4.1: 23 of 1,612,504 alleles (0.0014%); highest among the groups gnomAD compares: Non-Finnish European, 0.0019%; no homozygotes.

Submissions (2):

PreventionGenetics, part of Exact Sciences
Classification: Uncertain significance for KIF5A-related condition. Last evaluated: 2025-09-15. Review status: criteria provided, single submitter. Criteria: ACMG Guidelines, 2015. Collection method: clinical testing. Allele origin: germline.
Comment: The KIF5A c.705G>T variant is not predicted to result in an amino acid change (p.=). To our knowledge, this variant has not been reported in the literature. This variant is predicted to alter splicing based on available splicing prediction programs (SpliceAI, Jaganathan et al. 2019. PubMed ID: 30661751). However, the use of computer prediction programs is not equivalent to functional evidence. This variant is reported in 0.00088% of alleles in individuals of European (Non-Finnish) descent in gnomAD. At this time, the clinical significance of this variant is uncertain due to the absence of conclusive functional and genetic evidence.

Labcorp Genetics (formerly Invitae), Labcorp
Classification: Uncertain significance for Spastic paraplegia. Last evaluated: 2023-08-30. Review status: criteria provided, single submitter. Criteria: Invitae Variant Classification Sherloc (09022015). Collection method: clinical testing. Allele origin: germline.
Comment: This sequence change affects codon 235 of the KIF5A mRNA. It is a 'silent' change, meaning that it does not change the encoded amino acid sequence of the KIF5A protein. This variant is present in population databases (no rsID available, gnomAD 0.0009%). This variant has not been reported in the literature in individuals affected with KIF5A-related conditions. Algorithms developed to predict the effect of sequence changes on RNA splicing suggest that this variant may create or strengthen a splice site. In summary, the available evidence is currently insufficient to determine the role of this variant in disease. Therefore, it has been classified as a Variant of Uncertain Significance.